The following is an entry in ClinVar:

NM_001105206.3(LAMA4):c.1085A>C (p.Gln362Pro)

Gene: LAMA4 (laminin subunit alpha 4; minus strand). Cytogenetic location: 6q21.
Variant type: single nucleotide variant.
Coding change: c.1085A>C on transcript NM_001105206.3 (MANE Select); coding-DNA position 1085, A replaced by C.
Protein change: p.Gln362Pro; replaces glutamine 362 with proline.
Molecular consequence: missense variant.
Genome position (GRCh38, 1-based): chr6:112,178,225, T>G on the plus strand (A>C on the coding strand, the complement: LAMA4 is on the minus strand). VCF-style: chr6-112178225-T-G. GRCh37 (hg19) VCF-style: chr6-112499427-T-G.
Other names: c.1064A>C, p.Gln355Pro (NM_001105207.3, NM_002290.5); short protein forms Q355P, Q362P.
Identifiers: ClinVar variation 1781211 (VCV001781211.3), dbSNP rs1374491023, ClinGen allele CA365373218.
Genomic context (GRCh38, chr6:112,178,225, plus strand): 5'-CTTGCGTGGTTAATGGTGTCCATGCTTTCCTTCTGAACAAGTTGTCCTTTTCTGGAGGCT[T>G]GATTTTCCTACAAATAATCCGTATAAAGGCTAGATTAAATGTATGAGAAAAGAATGTTGT-3'
Protein context (NP_001098676.2, residues 352-372): DVEELVEKEN[Gln362Pro]ASRKGQLVQK

ClinVar aggregate classification (germline): Uncertain significance (1 of 4 stars; one submission).

Conditions:
Cardiovascular phenotype. Identifiers: MedGen CN230736.

Allele frequency attached by ClinVar (database versions not stated): TOPMed below 0.00001; gnomAD 0.00001.
gnomAD v4.1: 1 of 1,610,932 alleles (0.000062%); highest among the groups gnomAD compares: Non-Finnish European, 0.000085%; no homozygotes.

Submission:

Ambry Genetics
Classification: Uncertain significance for Cardiovascular phenotype. Last evaluated: 2023-03-18. Review status: criteria provided, single submitter. Criteria: Ambry Variant Classification Scheme 2023. Collection method: clinical testing. Allele origin: germline.
Comment: The p.Q355P variant (also known as c.1064A>C), located in coding exon 9 of the LAMA4 gene, results from an A to C substitution at nucleotide position 1064. The glutamine at codon 355 is replaced by proline, an amino acid with similar properties. This amino acid position is well conserved in available vertebrate species. In addition, this alteration is predicted to be tolerated by in silico analysis. Since supporting evidence is limited at this time, the clinical significance of this alteration remains unclear.